The following is an entry in ClinVar:

ClinVar aggregate classification (germline): Uncertain significance (1 of 4 stars; one submission).

Conditions:
Inborn genetic diseases. Identifiers: MedGen C0950123, MeSH D030342.

Submission:

Ambry Genetics
Classification: Uncertain significance for Inborn genetic diseases. Last evaluated: 2019-07-17. Review status: criteria provided, single submitter. Criteria: Ambry Variant Classification Scheme 2023. Collection method: clinical testing. Allele origin: germline.
Comment: The c.4951_4956delCCCGGC variant (also known as p.P1651_G1652del) is located in coding exon 22 of the SHANK3 gene. This variant results from an in-frame CCCGGC deletion at nucleotide positions 4951 to 4956. This results in the in-frame deletion of a at codon 1651. These amino acid positions are not well conserved in available vertebrate species. In addition, this alteration is predicted to be inconclusive by in silico analysis (Choi Y et al., PLoS ONE 2012; 7(10):e46688). Since supporting evidence is limited at this time, the clinical significance of this alteration remains unclear.

NM_001372044.2(SHANK3):c.5170CCCGGC[1] (p.1724PG[1])

Gene: SHANK3 (SH3 and multiple ankyrin repeat domains 3; plus strand). Cytogenetic location: 22q13.33.
Variant type: Microsatellite.
Coding change: c.5170CCCGGC[1] on transcript NM_001372044.2 (MANE Select); one copy of the 6-base unit CCCGGC starting at c.5170; the reference has two copies in a row; one copy, 6 bases deleted.
Protein change: p.1724PG[1].
Molecular consequence: inframe deletion. On other transcripts: inframe indel (1).
Genome position (GRCh38, 1-based): chr22:50,731,067-50,731,072, CCCGGC deleted; deleting any 6 consecutive bases within chr22:50,731,056-50,731,072 gives the same sequence; the position shown is the placement nearest the transcript's 3' end. VCF-style (leftmost placement, unchanged base first): chr22-50731055-TCCGGCC-T. GRCh37 (hg19) VCF-style: chr22-51169483-TCCGGCC-T.
Other names: c.4951_4956delCCCGGC (NM_033517.1).
Identifiers: ClinVar variation 1744333 (VCV001744333.2), dbSNP rs1054399689, ClinGen allele CA640359065.
Genomic context (GRCh38, chr22:50,731,055, plus strand): 5'-GTGCGCAGCGTGAGCGCGCGCAGTCGCTCCCCCTCGCCGTCGCCGCTGCCCTCGCCCGCG[TCCGGCC>T]CCGGCCCCGGCGCCCCCGGCCCACGCCGACCCTTCCAGCAGAAGCCGCTGCAGCTCTGGA-3'